The following is an entry in ClinVar:

NM_002907.4(RECQL):c.1586T>G (p.Val529Gly)

Gene: RECQL (RecQ like helicase; minus strand). Cytogenetic location: 12p12.1.
Variant type: single nucleotide variant.
Coding change: c.1586T>G on transcript NM_002907.4 (MANE Select); coding-DNA position 1586, T replaced by G.
Protein change: p.Val529Gly; replaces valine 529 with glycine.
Molecular consequence: missense variant.
Genome position (GRCh38, 1-based): chr12:21,471,509, A>C on the plus strand (T>G on the coding strand, the complement: RECQL is on the minus strand). VCF-style: chr12-21471509-A-C. GRCh37 (hg19) VCF-style: chr12-21624443-A-C.
Other names: c.1586T>G, p.Val529Gly (NM_032941.3); short protein forms V529G.
Identifiers: ClinVar variation 3222940 (VCV003222940.1), dbSNP rs1942963659, ClinGen allele CA384116091.

ClinVar aggregate classification (germline): Uncertain significance (1 of 4 stars; one submission).

Submission:

Ambry Genetics
Classification: Uncertain significance. Last evaluated: 2024-02-28. Review status: criteria provided, single submitter. Criteria: Ambry Variant Classification Scheme 2023. Collection method: clinical testing. Allele origin: germline.
Comment: The p.V529G variant (also known as c.1586T>G), located in coding exon 12 of the RECQL gene, results from a T to G substitution at nucleotide position 1586. The valine at codon 529 is replaced by glycine, an amino acid with dissimilar properties. This amino acid position is conserved. In addition, this alteration is predicted to be tolerated by in silico analysis. Based on the available evidence, the clinical significance of this alteration remains unclear.